The following is an entry in ClinVar:

ClinVar aggregate classification (germline): Uncertain significance (1 of 4 stars; one submission).

Conditions:
Developmental and epileptic encephalopathy, 23 (DEE23). Also called: Epileptic encephalopathy, early infantile, 23. Identifiers: Orphanet 411986, MedGen C4014492, MONDO:0014371, OMIM 615859.

Submission:

Labcorp Genetics (formerly Invitae), Labcorp
Classification: Uncertain significance for Developmental and epileptic encephalopathy, 23. Last evaluated: 2021-03-25. Review status: criteria provided, single submitter. Criteria: Invitae Variant Classification Sherloc (09022015). Collection method: clinical testing. Allele origin: germline.
Comment: Algorithms developed to predict the effect of sequence changes on RNA splicing suggest that this variant may create or strengthen a splice site, but this prediction has not been confirmed by published transcriptional studies. In summary, the available evidence is currently insufficient to determine the role of this variant in disease. Therefore, it has been classified as a Variant of Uncertain Significance. This variant has not been reported in the literature in individuals with DOCK7-related conditions. This variant is not present in population databases (ExAC no frequency). This sequence change falls in intron 35 of the DOCK7 gene. It does not directly change the encoded amino acid sequence of the DOCK7 protein.

NM_001367561.1(DOCK7):c.4476+2_4476+9dup

Gene: DOCK7 (dedicator of cytokinesis 7; minus strand). Cytogenetic location: 1p31.3.
Variant type: Duplication.
Coding change: c.4476+2_4476+9dup on transcript NM_001367561.1 (MANE Select); the canonical splice donor site of the intron after coding-DNA position 4476 through 9 bases into the intron after coding-DNA position 4476, 8 bases duplicated (TAAGAATG; older notation c.4476+2_4476+9dupTAAGAATG).
Molecular consequence: splice donor variant.
Genome position (GRCh38, 1-based): chr1:62,507,953-62,507,960, CATTCTTA duplicated on the plus strand (TAAGAATG on the coding strand, the reverse complement: DOCK7 is on the minus strand); duplicating any 8 consecutive bases within chr1:62,507,953-62,507,961 gives the same sequence; the c. name uses the placement nearest the transcript's 3' end. VCF-style (leftmost placement, unchanged base first): chr1-62507952-G-GCATTCTTA. GRCh37 (hg19) VCF-style: chr1-62973623-G-GCATTCTTA.
Other names: c.4356+2_4356+9dup (NM_001272001.2, NM_001272000.2); c.4383+2_4383+9dup (NM_033407.4); c.4449+2_4449+9dup (NM_001271999.2, NM_001330614.2).
Identifiers: ClinVar variation 1059206 (VCV001059206.9), dbSNP rs1314763229, ClinGen allele CA523536928.